The following is an entry in ClinVar:

ClinVar aggregate classification (germline): Uncertain significance (1 of 4 stars; one submission).

Conditions:
Arrhythmogenic cardiomyopathy with wooly hair and keratoderma. Also called: PALMOPLANTAR KERATODERMA WITH LEFT VENTRICULAR CARDIOMYOPATHY AND WOOLLY HAIR; Carvajal syndrome; Dilated cardiomyopathy with woolly hair and keratoderma; Arrhythmogenic cardiomyopathy with woolly hair and keratoderma. Identifiers: Orphanet 65282, MedGen C1854063, MONDO:0011581, OMIM 605676.
Arrhythmogenic right ventricular dysplasia 8 (ARVD8). Also called: Arrhythmogenic Right Ventricular Dysplasia/Cardiomyopathy 8; ARRHYTHMOGENIC RIGHT VENTRICULAR DYSPLASIA, FAMILIAL, 8; ARRHYTHMOGENIC RIGHT VENTRICULAR CARDIOMYOPATHY 8. Identifiers: MedGen C1843896, MONDO:0011831, OMIM 607450.

Submission:

Labcorp Genetics (formerly Invitae), Labcorp
Classification: Uncertain significance for Arrhythmogenic cardiomyopathy with wooly hair and keratoderma; Arrhythmogenic right ventricular dysplasia 8. Last evaluated: 2025-10-01. Review status: criteria provided, single submitter. Criteria: Invitae Variant Classification Sherloc (09022015). Collection method: clinical testing. Allele origin: germline.
Comment: This sequence change replaces lysine, which is basic and polar, with asparagine, which is neutral and polar, at codon 1054 of the DSP protein (p.Lys1054Asn). This variant is not present in population databases (gnomAD no frequency). This variant has not been reported in the literature in individuals affected with DSP-related conditions. An algorithm developed to predict the effect of missense changes on protein structure and function (PolyPhen-2) suggests that this variant is likely to be disruptive. In summary, the available evidence is currently insufficient to determine the role of this variant in disease. Therefore, it has been classified as a Variant of Uncertain Significance.

NM_004415.4(DSP):c.3162G>T (p.Lys1054Asn)

Gene: DSP (desmoplakin; plus strand). Cytogenetic location: 6p24.3.
Variant type: single nucleotide variant.
Coding change: c.3162G>T on transcript NM_004415.4 (MANE Select); coding-DNA position 3162, G replaced by T.
Protein change: p.Lys1054Asn; replaces lysine 1054 with asparagine.
Molecular consequence: missense variant.
Genome position (GRCh38, 1-based): chr6:7,579,352, G>T. VCF-style: chr6-7579352-G-T. GRCh37 (hg19) VCF-style: chr6-7579585-G-T.
Other names: c.3162G>T, p.Lys1054Asn (NM_001008844.3, NM_001319034.2); short protein forms K1054N.
Identifiers: ClinVar variation 4791206 (VCV004791206.1).
Genomic context (GRCh38, chr6:7,579,352, plus strand): 5'-CGAAGTTTTGGAAGAGGAGCTCAGACTGGCCCGAGATGCCAACTCGGAAAACTGTAATAA[G>T]AACAAATTCCTGGATCAGAACCTGCAGAAATACCAGGCAGAGTGTTCCCAGTTCAAAGCG-3'
Protein context (NP_004406.2, residues 1044-1064): ARDANSENCN[Lys1054Asn]NKFLDQNLQK